The following is an entry in ClinVar:

ClinVar aggregate classification (germline): Uncertain significance. Review status: criteria provided, multiple submitters, no conflicts (2 of 4 stars). 2 submissions from 2 submitters: Uncertain significance (2). Last evaluated 2025-02-16.

Conditions:
Inborn genetic diseases. Identifiers: MedGen C0950123, MeSH D030342.

Allele frequency attached by ClinVar (database versions not stated): TOPMed below 0.00001.

Submissions (2):

Ambry Genetics
Classification: Uncertain significance for Inborn genetic diseases. Last evaluated: 2025-02-16. Review status: criteria provided, single submitter. Criteria: Ambry Variant Classification Scheme 2023. Collection method: clinical testing. Allele origin: germline.
Comment: The p.N669S variant (also known as c.2006A>G), located in coding exon 19 of the ANKRD26 gene, results from an A to G substitution at nucleotide position 2006. The asparagine at codon 669 is replaced by serine, an amino acid with highly similar properties. This amino acid position is conserved. In addition, this alteration is predicted to be tolerated by in silico analysis. Based on the available evidence, the clinical significance of this variant remains unclear.

GeneDx
Classification: Uncertain significance. Last evaluated: 2022-07-17. Review status: criteria provided, single submitter. Criteria: GeneDx Variant Classification Process June 2021. Collection method: clinical testing. Allele origin: germline. Affected: yes.
Comment: Not observed at significant frequency in large population cohorts (gnomAD); In silico analysis supports that this missense variant does not alter protein structure/function; Has not been previously published as pathogenic or benign to our knowledge

NM_014915.3(ANKRD26):c.2006A>G (p.Asn669Ser)

Gene: ANKRD26 (ankyrin repeat domain containing 26; minus strand). Cytogenetic location: 10p12.1.
Variant type: single nucleotide variant.
Coding change: c.2006A>G on transcript NM_014915.3 (MANE Select); coding-DNA position 2006, A replaced by G.
Protein change: p.Asn669Ser; replaces asparagine 669 with serine.
Molecular consequence: missense variant.
Genome position (GRCh38, 1-based): chr10:27,044,170, T>C on the plus strand (A>G on the coding strand, the complement: ANKRD26 is on the minus strand). VCF-style: chr10-27044170-T-C. GRCh37 (hg19) VCF-style: chr10-27333099-T-C.
Other names: c.2003A>G, p.Asn668Ser (NM_001256053.2); short protein forms N668S, N669S.
Identifiers: ClinVar variation 2136235 (VCV002136235.2), dbSNP rs1417615356, ClinGen allele CA376369065.